The following is an entry in ClinVar:

ClinVar aggregate classification (germline): Uncertain significance (1 of 4 stars; one submission).

Conditions:
PCNT-related disorder. Also called: PCNT-related condition.

Allele frequency attached by ClinVar (database versions not stated): ExAC 0.00003; gnomAD 0.00005; TOPMed 0.00005; ESP Exome Variant Server 0.00008; gnomAD exomes 0.00008.
gnomAD v4.1: 121 of 1,614,100 alleles (0.0075%); highest among the groups gnomAD compares: Non-Finnish European, 0.0094%; no homozygotes.

Submission:

PreventionGenetics, part of Exact Sciences
Classification: Uncertain significance for PCNT-related condition. Last evaluated: 2026-06-05. Review status: criteria provided, single submitter. Criteria: ACMG Guidelines, 2015. Collection method: clinical testing. Allele origin: germline.
Comment: The PCNT c.7820G>A variant is predicted to result in the amino acid substitution p.Arg2607Gln. To our knowledge, this variant has not been reported in the literature. This variant is reported in 0.015% of alleles in individuals of East Asian descent in gnomAD. At this time, the clinical significance of this variant is uncertain due to the absence of conclusive functional and genetic evidence.

NM_006031.6(PCNT):c.7820G>A (p.Arg2607Gln)

Gene: PCNT (pericentrin; plus strand). Cytogenetic location: 21q22.3.
Variant type: single nucleotide variant.
Coding change: c.7820G>A on transcript NM_006031.6 (MANE Select); coding-DNA position 7820, G replaced by A.
Protein change: p.Arg2607Gln; replaces arginine 2607 with glutamine.
Molecular consequence: missense variant.
Genome position (GRCh38, 1-based): chr21:46,430,139, G>A. VCF-style: chr21-46430139-G-A. GRCh37 (hg19) VCF-style: chr21-47850053-G-A.
Other names: c.7466G>A, p.Arg2489Gln (NM_001315529.2); short protein forms R2489Q, R2607Q.
Identifiers: ClinVar variation 2631988 (VCV002631988.3), dbSNP rs150826832, ClinGen allele CA10080799.